The following is an entry in ClinVar:

ClinVar aggregate classification (germline): Uncertain significance (1 of 4 stars; one submission).

Conditions:
Hereditary cancer-predisposing syndrome. Also called: Neoplastic Syndromes, Hereditary; Tumor predisposition; Hereditary Cancer Syndrome; Hereditary neoplastic syndrome. Identifiers: Orphanet 140162, MedGen C0027672, MeSH D009386, MONDO:0015356.

Submission:

Ambry Genetics
Classification: Uncertain significance for Hereditary cancer-predisposing syndrome. Last evaluated: 2025-09-20. Review status: criteria provided, single submitter. Criteria: Ambry Variant Classification Scheme 2023. Collection method: clinical testing. Allele origin: germline.
Comment: The p.C989Y variant (also known as c.2966G>A), located in coding exon 14 of the BLM gene, results from a G to A substitution at nucleotide position 2966. The cysteine at codon 989 is replaced by tyrosine, an amino acid with highly dissimilar properties. This amino acid position is conserved. In addition, this alteration is predicted to be deleterious by in silico analysis. Based on the available evidence, the clinical significance of this variant remains unclear.

NM_000057.4(BLM):c.2966G>A (p.Cys989Tyr)

Gene: BLM (BLM RecQ like helicase; plus strand). Cytogenetic location: 15q26.1.
Variant type: single nucleotide variant.
Coding change: c.2966G>A on transcript NM_000057.4 (MANE Select); coding-DNA position 2966, G replaced by A.
Protein change: p.Cys989Tyr; replaces cysteine 989 with tyrosine.
Molecular consequence: missense variant.
Genome position (GRCh38, 1-based): chr15:90,790,791, G>A. VCF-style: chr15-90790791-G-A. GRCh37 (hg19) VCF-style: chr15-91334021-G-A.
Other names: c.2966G>A, p.Cys989Tyr (NM_001287246.2, NM_001287247.2); c.1841G>A, p.Cys614Tyr (NM_001287248.2); short protein forms C614Y, C989Y.
Identifiers: ClinVar variation 4622526 (VCV004622526.1).